The following is an entry in ClinVar:

ClinVar aggregate classification (germline): Benign (0 of 4 stars; one submission).

Conditions:
XIRP2-related disorder. Also called: XIRP2-related condition.

Allele frequency attached by ClinVar (database versions not stated): gnomAD exomes 0.05095; ESP Exome Variant Server 0.05345; TOPMed 0.05687; ExAC 0.05723; gnomAD 0.05864; 1000 Genomes Project 30x 0.07683; 1000 Genomes Project 0.07987.
gnomAD v4.1: 83,362 of 1,613,050 alleles (5.2%); highest among the groups gnomAD compares: East Asian, 9%; 2,452 homozygotes.

Submission:

PreventionGenetics, part of Exact Sciences
Classification: Benign for XIRP2-related condition. Last evaluated: 2019-02-22. Review status: no assertion criteria provided. Collection method: clinical testing. Allele origin: germline.
Comment: This variant is classified as benign based on ACMG/AMP sequence variant interpretation guidelines (Richards et al. 2015 PMID: 25741868, with internal and published modifications).

NM_152381.6(XIRP2):c.*998A>G

Gene: XIRP2 (xin actin binding repeat containing 2; plus strand). Cytogenetic location: 2q24.3.
Variant type: single nucleotide variant.
Coding change: c.*998A>G on transcript NM_152381.6 (MANE Select); 998 bases downstream of the stop codon, A replaced by G.
Molecular consequence: 3 prime UTR variant. On other transcripts: missense variant (3).
Genome position (GRCh38, 1-based): chr2:167,258,815, A>G. VCF-style: chr2-167258815-A-G. GRCh37 (hg19) VCF-style: chr2-168115325-A-G.
Other names: c.2269A>G, p.Arg757Gly (NM_001079810.4); c.2368A>G, p.Arg790Gly (NM_001199143.2); c.*998A>G (NM_001199144.2); c.1603A>G, p.Arg535Gly (NM_001199145.2); short protein forms R535G, R757G, R790G.
Identifiers: ClinVar variation 3059285 (VCV003059285.2), dbSNP rs3749005, ClinGen allele CA1948505.